The following is an entry in ClinVar:

NM_000883.4(IMPDH1):c.925C>T (p.Arg309Cys)

Gene: IMPDH1 (inosine monophosphate dehydrogenase 1; minus strand). Cytogenetic location: 7q32.1.
Variant type: single nucleotide variant.
Coding change: c.925C>T on transcript NM_000883.4 (MANE Select); coding-DNA position 925, C replaced by T.
Protein change: p.Arg309Cys; replaces arginine 309 with cysteine.
Molecular consequence: missense variant.
Genome position (GRCh38, 1-based): chr7:128,398,563, G>A on the plus strand (C>T on the coding strand, the complement: IMPDH1 is on the minus strand). VCF-style: chr7-128398563-G-A. GRCh37 (hg19) VCF-style: chr7-128038617-G-A.
Other names: c.895C>T, p.Arg299Cys (NM_001102605.2); c.670C>T, p.Arg224Cys (NM_001142573.2); c.655C>T, p.Arg219Cys (NM_001142574.2); c.595C>T, p.Arg199Cys (NM_001142575.2); c.826C>T, p.Arg276Cys (NM_001142576.2); c.718C>T, p.Arg240Cys (NM_001304521.2); c.817C>T, p.Arg273Cys (NM_183243.3); short protein forms R199C, R276C, R224C, R273C, R299C, R309C, R219C, R240C.
Identifiers: ClinVar variation 2335988 (VCV002335988.6), dbSNP rs368190649, ClinGen allele CA4470985.

ClinVar aggregate classification (germline): Uncertain significance. Review status: criteria provided, multiple submitters, no conflicts (2 of 4 stars). 2 submissions from 2 submitters: Uncertain significance (2). Last evaluated 2025-08-06.

Conditions:
Inborn genetic diseases. Identifiers: MedGen C0950123, MeSH D030342.

Allele frequency attached by ClinVar (database versions not stated): TOPMed below 0.00001; ExAC 0.00001; gnomAD 0.00001; gnomAD exomes 0.00001; ESP Exome Variant Server 0.00008.
gnomAD v4.1: 11 of 1,612,470 alleles (0.00068%); highest among the groups gnomAD compares: Admixed American, 0.0033%; no homozygotes.

Submissions (2):

Ambry Genetics
Classification: Uncertain significance for Inborn genetic diseases. Last evaluated: 2025-08-06. Review status: criteria provided, single submitter. Criteria: Ambry Variant Classification Scheme 2023. Collection method: clinical testing. Allele origin: germline.

Labcorp Genetics (formerly Invitae), Labcorp
Classification: Uncertain significance. Last evaluated: 2023-11-13. Review status: criteria provided, single submitter. Criteria: Invitae Variant Classification Sherloc (09022015). Collection method: clinical testing. Allele origin: germline.
Comment: This sequence change replaces arginine, which is basic and polar, with cysteine, which is neutral and slightly polar, at codon 309 of the IMPDH1 protein (p.Arg309Cys). This variant is present in population databases (rs368190649, gnomAD 0.003%). This variant has not been reported in the literature in individuals affected with IMPDH1-related conditions. ClinVar contains an entry for this variant (Variation ID: 2335988). An algorithm developed to predict the effect of missense changes on protein structure and function (PolyPhen-2) suggests that this variant is likely to be disruptive. In summary, the available evidence is currently insufficient to determine the role of this variant in disease. Therefore, it has been classified as a Variant of Uncertain Significance.